The following is an entry in ClinVar:

ClinVar aggregate classification (germline): Pathogenic (1 of 4 stars; one submission).

Conditions:
Camptomelic dysplasia (CMPD). Also called: Campomelic Dysplasia; CMPD1/SRA1. Identifiers: Orphanet 140, MedGen C1861922, MONDO:0007251, OMIM 114290.

Submission:

Women's Health and Genetics/Laboratory Corporation of America, LabCorp
Classification: Pathogenic for Camptomelic dysplasia. Last evaluated: 2024-05-13. Review status: criteria provided, single submitter. Criteria: LabCorp Variant Classification Summary - May 2015. Collection method: clinical testing. Allele origin: germline.
Comment: Variant summary: SOX9 c.1498C>T (p.Gln500X) results in a premature termination codon, predicted to cause a truncation of the encoded protein that is not subject to nonsense mediated decay, and two downtream frame-shifting variants have been reported in patients with features of Campomelic dysplasia in HGMD (c.1514_1515insC p.Gln505Hisfs*73 and c.1519_1522dupACTC p.Arg508Hisfs*71). The variant was absent in 272010 control chromosomes. To our knowledge, no occurrence of c.1498C>T in individuals affected with Camptomelic Dysplasia and no experimental evidence demonstrating its impact on protein function have been reported. No submitters have cited clinical-significance assessments for this variant to ClinVar. Based on the evidence outlined above, the variant was classified as pathogenic.

NM_000346.4(SOX9):c.1498C>T (p.Gln500Ter)

Gene: SOX9 (SRY-box transcription factor 9; plus strand). Cytogenetic location: 17q24.3.
Variant type: single nucleotide variant.
Coding change: c.1498C>T on transcript NM_000346.4 (MANE Select); coding-DNA position 1498, C replaced by T.
Protein change: p.Gln500Ter; replaces glutamine 500 with a stop codon.
Molecular consequence: nonsense.
Genome position (GRCh38, 1-based): chr17:72,124,355, C>T. VCF-style: chr17-72124355-C-T. GRCh37 (hg19) VCF-style: chr17-70120496-C-T.
Other names: short protein forms Q500*.
Identifiers: ClinVar variation 3336003 (VCV003336003.1).